The following is an entry in ClinVar:

NM_017617.5(NOTCH1):c.3073T>C (p.Cys1025Arg)

Gene: NOTCH1 (notch receptor 1; minus strand). Cytogenetic location: 9q34.3.
Variant type: single nucleotide variant.
Coding change: c.3073T>C on transcript NM_017617.5 (MANE Select); coding-DNA position 3073, T replaced by C.
Protein change: p.Cys1025Arg; replaces cysteine 1025 with arginine.
Molecular consequence: missense variant.
Genome position (GRCh38, 1-based): chr9:136,508,968, A>G on the plus strand (T>C on the coding strand, the complement: NOTCH1 is on the minus strand). VCF-style: chr9-136508968-A-G. GRCh37 (hg19) VCF-style: chr9-139403420-A-G.
Other names: short protein forms C1025R.
Identifiers: ClinVar variation 4768554 (VCV004768554.1).

ClinVar aggregate classification (germline): Uncertain significance (1 of 4 stars; one submission).

Conditions:
Adams-Oliver syndrome 5 (AOS5). Identifiers: Orphanet 974, MedGen C4014970, MONDO:0014459, OMIM 616028.

gnomAD v4.1: 1 of 1,554,562 alleles (0.000064%); highest among the groups gnomAD compares: East Asian, 0.0024%; no homozygotes.

Submission:

Labcorp Genetics (formerly Invitae), Labcorp
Classification: Uncertain significance for Adams-Oliver syndrome 5. Last evaluated: 2025-11-16. Review status: criteria provided, single submitter. Criteria: Invitae Variant Classification Sherloc (09022015). Collection method: clinical testing. Allele origin: germline.
Comment: This sequence change replaces cysteine, which is neutral and slightly polar, with arginine, which is basic and polar, at codon 1025 of the NOTCH1 protein (p.Cys1025Arg). This variant is not present in population databases (gnomAD no frequency). This variant has not been reported in the literature in individuals affected with NOTCH1-related conditions. Invitae Evidence Modeling of protein sequence and biophysical properties (such as structural, functional, and spatial information, amino acid conservation, physicochemical variation, residue mobility, and thermodynamic stability) indicates that this missense variant is expected to disrupt NOTCH1 protein function with a positive predictive value of 80%. In summary, the available evidence is currently insufficient to determine the role of this variant in disease. Therefore, it has been classified as a Variant of Uncertain Significance.